The following is an entry in ClinVar:

ClinVar aggregate classification (germline): Uncertain significance (1 of 4 stars; one submission).

Allele frequency attached by ClinVar (database versions not stated): gnomAD exomes below 0.00001.
gnomAD v4.1: 1 of 1,613,936 alleles (0.000062%); highest among the groups gnomAD compares: Non-Finnish European, 0.000085%; no homozygotes.

Submission:

Labcorp Genetics (formerly Invitae), Labcorp
Classification: Uncertain significance. Last evaluated: 2022-07-25. Review status: criteria provided, single submitter. Criteria: Invitae Variant Classification Sherloc (09022015). Collection method: clinical testing. Allele origin: germline.
Comment: In summary, the available evidence is currently insufficient to determine the role of this variant in disease. Therefore, it has been classified as a Variant of Uncertain Significance. Algorithms developed to predict the effect of missense changes on protein structure and function are either unavailable or do not agree on the potential impact of this missense change (SIFT: "Deleterious"; PolyPhen-2: "Possibly Damaging"; Align-GVGD: "Class C0"). ClinVar contains an entry for this variant (Variation ID: 1524076). This variant has not been reported in the literature in individuals affected with PDE2A-related conditions. This variant is not present in population databases (gnomAD no frequency). This sequence change replaces valine, which is neutral and non-polar, with methionine, which is neutral and non-polar, at codon 283 of the PDE2A protein (p.Val283Met).

NM_002599.5(PDE2A):c.847G>A (p.Val283Met)

Gene: PDE2A (phosphodiesterase 2A; minus strand). Cytogenetic location: 11q13.4.
Variant type: single nucleotide variant.
Coding change: c.847G>A on transcript NM_002599.5 (MANE Select); coding-DNA position 847, G replaced by A.
Protein change: p.Val283Met; replaces valine 283 with methionine.
Molecular consequence: missense variant.
Genome position (GRCh38, 1-based): chr11:72,589,777, C>T on the plus strand (G>A on the coding strand, the complement: PDE2A is on the minus strand). VCF-style: chr11-72589777-C-T. GRCh37 (hg19) VCF-style: chr11-72300821-C-T.
Other names: c.826G>A, p.Val276Met (NM_001143839.4); c.820G>A, p.Val274Met (NM_001146209.3); c.784G>A, p.Val262Met (NM_001243784.2); short protein forms V262M, V276M, V283M, V274M.
Identifiers: ClinVar variation 1524076 (VCV001524076.6), dbSNP rs1002105752, ClinGen allele CA381763448.